The following is an entry in ClinVar:

ClinVar aggregate classification (germline): Uncertain significance. Review status: criteria provided, multiple submitters, no conflicts (2 of 4 stars). 2 submissions from 2 submitters: Uncertain significance (2). Last evaluated 2024-05-04.

Conditions:
Charcot-Marie-Tooth disease type 2. Also called: Charcot-Marie-Tooth type 2. Identifiers: Orphanet 64746, MedGen C0270914, MONDO:0018993.

gnomAD v4.1: 1 of 1,611,368 alleles (0.000062%); highest among the groups gnomAD compares: Non-Finnish European, 0.000085%; no homozygotes.

Submissions (2):

Ambry Genetics
Classification: Uncertain significance. Last evaluated: 2024-05-04. Review status: criteria provided, single submitter. Criteria: Ambry Variant Classification Scheme 2023. Collection method: clinical testing. Allele origin: germline.
Comment: The p.F1308V variant (also known as c.3922T>G), located in coding exon 36 of the KIF1B gene, results from a T to G substitution at nucleotide position 3922. The phenylalanine at codon 1308 is replaced by valine, an amino acid with highly similar properties. This amino acid position is conserved. In addition, this alteration is predicted to be deleterious by in silico analysis. Since supporting evidence is limited at this time, the clinical significance of this alteration remains unclear.

Labcorp Genetics (formerly Invitae), Labcorp
Classification: Uncertain significance for Charcot-Marie-Tooth disease type 2. Last evaluated: 2024-02-21. Review status: criteria provided, single submitter. Criteria: Invitae Variant Classification Sherloc (09022015). Collection method: clinical testing. Allele origin: germline.
Comment: This sequence change replaces phenylalanine, which is neutral and non-polar, with valine, which is neutral and non-polar, at codon 1308 of the KIF1B protein (p.Phe1308Val). This variant is not present in population databases (gnomAD no frequency). This variant has not been reported in the literature in individuals affected with KIF1B-related conditions. ClinVar contains an entry for this variant (Variation ID: 1736215). An algorithm developed to predict the effect of missense changes on protein structure and function (PolyPhen-2) suggests that this variant is likely to be tolerated. In summary, the available evidence is currently insufficient to determine the role of this variant in disease. Therefore, it has been classified as a Variant of Uncertain Significance.

NM_001365951.3(KIF1B):c.4060T>G (p.Phe1354Val)

Gene: KIF1B (kinesin family member 1B; plus strand). Cytogenetic location: 1p36.22.
Variant type: single nucleotide variant.
Coding change: c.4060T>G on transcript NM_001365951.3 (MANE Select); coding-DNA position 4060, T replaced by G.
Protein change: p.Phe1354Val; replaces phenylalanine 1354 with valine.
Molecular consequence: missense variant.
Genome position (GRCh38, 1-based): chr1:10,360,933, T>G. VCF-style: chr1-10360933-T-G. GRCh37 (hg19) VCF-style: chr1-10420991-T-G.
Other names: c.4060T>G, p.Phe1354Val (NM_001365952.1); c.3922T>G, p.Phe1308Val (NM_015074.3); short protein forms F1354V, F1308V.
Identifiers: ClinVar variation 1736215 (VCV001736215.5), dbSNP rs371863923, ClinGen allele CA338315511.
Genomic context (GRCh38, chr1:10,360,933, plus strand): 5'-GACTAACGTGACTTTAGCTTCTTTTGGATGATTCCCTCTTGTCTTTCTGACCTTAGGACC[T>G]TCTACCGCTTTGAGGCTGTGTGGGATAGCTCTCTGCATAACTCCCTTCTTCTGAACCGAG-3'
Protein context (NP_001352880.1, residues 1344-1364): LKSSHNSSRT[Phe1354Val]YRFEAVWDSS